The following is an entry in ClinVar:

ClinVar aggregate classification (germline): Conflicting classifications of pathogenicity. Review status: criteria provided, conflicting classifications (1 of 4 stars). 2 submissions from 2 submitters: Likely pathogenic (1); Uncertain significance (1). Last evaluated 2025-03-17.

Conditions:
CNGB1-related disorder. Also called: CNGB1-related condition.

Allele frequency attached by ClinVar (database versions not stated): ExAC 0.00001; gnomAD exomes 0.00002 and 0.00006; gnomAD 0.00003 and 0.00004; TOPMed 0.00004.
gnomAD v4.1: 98 of 1,613,494 alleles (0.0061%); highest among the groups gnomAD compares: Non-Finnish European, 0.008%; no homozygotes.

Submissions (2):

Labcorp Genetics (formerly Invitae), Labcorp
Classification: Uncertain significance. Last evaluated: 2025-03-17. Review status: criteria provided, single submitter. Criteria: Invitae Variant Classification Sherloc (09022015). Collection method: clinical testing. Allele origin: germline.
Comment: This sequence change falls in intron 8 of the CNGB1 gene. It does not directly change the encoded amino acid sequence of the CNGB1 protein. It affects a nucleotide within the consensus splice site. This variant is present in population databases (rs754645788, gnomAD 0.006%). This variant has not been reported in the literature in individuals affected with CNGB1-related conditions. ClinVar contains an entry for this variant (Variation ID: 1014064). Variants that disrupt the consensus splice site are a relatively common cause of aberrant splicing (PMID: 17576681, 9536098). Algorithms developed to predict the effect of sequence changes on RNA splicing suggest that this variant may disrupt the consensus splice site. In summary, the available evidence is currently insufficient to determine the role of this variant in disease. Therefore, it has been classified as a Variant of Uncertain Significance.

Blueprint Genetics
Classification: Likely pathogenic for CNGB1-related disorders. Last evaluated: 2022-11-15. Review status: criteria provided, single submitter. Criteria: ACMG Guidelines, 2015. Collection method: clinical testing. Allele origin: germline. Affected: yes. Observed: 5 variant alleles.

Literature cited by the submitters: PubMed 17576681 (cited by Labcorp Genetics (formerly Invitae), Labcorp); PubMed 9536098 (cited by Labcorp Genetics (formerly Invitae), Labcorp).

NM_001297.5(CNGB1):c.534+4A>G

Gene: CNGB1 (cyclic nucleotide gated channel subunit beta 1; minus strand). Cytogenetic location: 16q21.
Variant type: single nucleotide variant.
Coding change: c.534+4A>G on transcript NM_001297.5 (MANE Select); 4 bases into the intron after coding-DNA position 534, A replaced by G.
Molecular consequence: intron variant.
Genome position (GRCh38, 1-based): chr16:57,960,836, T>C on the plus strand (A>G on the coding strand, the complement: CNGB1 is on the minus strand). VCF-style: chr16-57960836-T-C. GRCh37 (hg19) VCF-style: chr16-57994740-T-C.
Other names: c.534+4A>G (NM_001286130.2, NM_001135639.2).
Identifiers: ClinVar variation 1014064 (VCV001014064.6), dbSNP rs754645788, ClinGen allele CA8083787.
Genomic context (GRCh38, chr16:57,960,836, plus strand): 5'-CCTCCTGGGGCCCCAGAAGCCCCCCCATATACTCAACTCCCTGCCTCTCCCTTCCTTGGC[T>C]CACCTCAGAGGATTTGGGGGGCTGAGGAAGCACTCTTTCCAGATTCTGCTCCAGCCACAG-3'